The following is an entry in ClinVar:

ClinVar aggregate classification (germline): Uncertain significance. Review status: criteria provided, multiple submitters, no conflicts (2 of 4 stars). 3 submissions from 3 submitters: Uncertain significance (2). 1 of the submissions does not count toward it. Last evaluated 2025-09-15.

Conditions:
MLH3-related disorder. Also called: MLH3-related condition.
Colorectal cancer, hereditary nonpolyposis, type 7. Identifiers: Orphanet 144, MedGen C1858380, MONDO:0013725, OMIM 614385.

gnomAD v4.1: 4 of 1,614,168 alleles (0.00025%); no homozygotes.

Submissions (3):

Labcorp Genetics (formerly Invitae), Labcorp
Classification: Uncertain significance for Colorectal cancer, hereditary nonpolyposis, type 7. Last evaluated: 2025-09-15. Review status: criteria provided, single submitter. Criteria: Invitae Variant Classification Sherloc (09022015). Collection method: clinical testing. Allele origin: germline.
Comment: This sequence change replaces glutamic acid, which is acidic and polar, with glycine, which is neutral and non-polar, at codon 867 of the MLH3 protein (p.Glu867Gly). This variant is not present in population databases (gnomAD no frequency). This variant has not been reported in the literature in individuals affected with MLH3-related conditions. ClinVar contains an entry for this variant (Variation ID: 944181). An algorithm developed to predict the effect of missense changes on protein structure and function (PolyPhen-2) suggests that this variant is likely to be tolerated. In summary, the available evidence is currently insufficient to determine the role of this variant in disease. Therefore, it has been classified as a Variant of Uncertain Significance.

Ambry Genetics
Classification: Uncertain significance. Last evaluated: 2024-10-11. Review status: criteria provided, single submitter. Criteria: Ambry Variant Classification Scheme 2023. Collection method: clinical testing. Allele origin: germline.
Comment: The p.E867G variant (also known as c.2600A>G), located in coding exon 1 of the MLH3 gene, results from an A to G substitution at nucleotide position 2600. The glutamic acid at codon 867 is replaced by glycine, an amino acid with similar properties. This amino acid position is not well conserved in available vertebrate species. In addition, this alteration is predicted to be tolerated by in silico analysis. Since supporting evidence is limited at this time, the clinical significance of this alteration remains unclear.

PreventionGenetics, part of Exact Sciences
Classification: Uncertain significance for MLH3-related condition. Last evaluated: 2024-02-28. Review status: no assertion criteria provided. Collection method: clinical testing. Allele origin: germline. Not counted in ClinVar's aggregate classification.
Comment: The MLH3 c.2600A>G variant is predicted to result in the amino acid substitution p.Glu867Gly. To our knowledge, this variant has not been reported in the literature or in a large population database, indicating this variant is rare. At this time, the clinical significance of this variant is uncertain due to the absence of conclusive functional and genetic evidence.

NM_001040108.2(MLH3):c.2600A>G (p.Glu867Gly)

Gene: MLH3 (mutL homolog 3; minus strand). Cytogenetic location: 14q24.3.
Variant type: single nucleotide variant.
Coding change: c.2600A>G on transcript NM_001040108.2 (MANE Select); coding-DNA position 2600, A replaced by G.
Protein change: p.Glu867Gly; replaces glutamic acid 867 with glycine.
Molecular consequence: missense variant.
Genome position (GRCh38, 1-based): chr14:75,047,056, T>C on the plus strand (A>G on the coding strand, the complement: MLH3 is on the minus strand). VCF-style: chr14-75047056-T-C. GRCh37 (hg19) VCF-style: chr14-75513759-T-C.
Other names: c.2600A>G, p.Glu867Gly (NM_014381.3); short protein forms E867G.
Identifiers: ClinVar variation 944181 (VCV000944181.13), dbSNP rs1892287229, ClinGen allele CA390439608.